The following is an entry in ClinVar:

ClinVar aggregate classification (germline): Uncertain significance (1 of 4 stars; one submission).

Conditions:
Familial acute necrotizing encephalopathy (IIAE3). Also called: ENCEPHALOPATHY, ACUTE, INFECTION-INDUCED, SUSCEPTIBILITY TO, 3; Susceptibility to Acute Necrotizing Encephalopathy 1. Identifiers: Orphanet 88619, MedGen C2675556, MONDO:0011953, OMIM 608033.

Allele frequency attached by ClinVar (database versions not stated): gnomAD exomes 0.00003 and 0.00006; TOPMed 0.00005; ExAC 0.00008; gnomAD 0.00009.
gnomAD v4.1: 49 of 1,611,802 alleles (0.003%); highest among the groups gnomAD compares: South Asian, 0.032%; no homozygotes.

Submission:

Labcorp Genetics (formerly Invitae), Labcorp
Classification: Uncertain significance for Familial acute necrotizing encephalopathy. Last evaluated: 2020-01-02. Review status: criteria provided, single submitter. Criteria: Invitae Variant Classification Sherloc (09022015). Collection method: clinical testing. Allele origin: germline.
Comment: In summary, the available evidence is currently insufficient to determine the role of this variant in disease. Therefore, it has been classified as a Variant of Uncertain Significance. Algorithms developed to predict the effect of missense changes on protein structure and function output the following: SIFT: "Deleterious"; PolyPhen-2: "Benign"; Align-GVGD: "Class C65". The cysteine amino acid residue is found in multiple mammalian species, suggesting that this missense change does not adversely affect protein function. These predictions have not been confirmed by published functional studies and their clinical significance is uncertain. This variant has not been reported in the literature in individuals with RANBP2-related conditions. The frequency data for this variant in the population databases is considered unreliable, as metrics indicate poor data quality at this position in the ExAC database. This sequence change replaces tyrosine with cysteine at codon 756 of the RANBP2 protein (p.Tyr756Cys). The tyrosine residue is highly conserved and there is a large physicochemical difference between tyrosine and cysteine.

NM_006267.5(RANBP2):c.2267A>G (p.Tyr756Cys)

Gene: RANBP2 (RAN binding protein 2; plus strand). Cytogenetic location: 2q13.
Variant type: single nucleotide variant.
Coding change: c.2267A>G on transcript NM_006267.5 (MANE Select); coding-DNA position 2267, A replaced by G.
Protein change: p.Tyr756Cys; replaces tyrosine 756 with cysteine.
Molecular consequence: missense variant.
Genome position (GRCh38, 1-based): chr2:108,754,969, A>G. VCF-style: chr2-108754969-A-G. GRCh37 (hg19) VCF-style: chr2-109371425-A-G.
Other names: short protein forms Y756C.
Identifiers: ClinVar variation 960028 (VCV000960028.7), dbSNP rs780328981, ClinGen allele CA1822617.